The following is an entry in ClinVar:

ClinVar aggregate classification (germline): Conflicting classifications of pathogenicity. Review status: criteria provided, conflicting classifications (1 of 4 stars). 7 submissions from 7 submitters: Pathogenic (2); Likely pathogenic (3); Uncertain significance (2). Last evaluated 2026-09-21.

Conditions:
CHD7-related disorder. Also called: CHD7-related condition.
CHARGE syndrome (CHARGE). Also called: Hittner Hirsch Kreh syndrome; CHARGE ASSOCIATION--COLOBOMA, HEART ANOMALY, CHOANAL ATRESIA, RETARDATION, GENITAL AND EAR ANOMALIES; Coloboma, heart anomaly, choanal atresia, retardation, genital and ear anomalies; CHARGE association; Hall-Hittner syndrome. Identifiers: Orphanet 138, MedGen C0265354, MONDO:0008965.
Inborn genetic diseases. Identifiers: MedGen C0950123, MeSH D030342.
Hypogonadotropic hypogonadism 5 with or without anosmia (KAL5). Also called: CHD7-Related GnRH Deficiency (Kallmann Syndrome 5); HYPOGONADOTROPIC HYPOGONADISM 5 WITH ANOSMIA; HYPOGONADOTROPHIC HYPOGONADISM 5 WITHOUT ANOSMIA. Identifiers: Orphanet 478, MedGen C3552553, MONDO:0012880, OMIM 612370. Disease mechanism: loss of function.

Submissions (7):

GeneDx
Classification: Uncertain significance. Last evaluated: 2026-09-21. Review status: criteria provided, single submitter. Criteria: GeneDx Variant Classification Process June 2021. Collection method: clinical testing. Allele origin: germline.
Comment: Identified in one proband from a large cohort of individuals with neurodevelopmental disorders in published literature; however, no further phenotypic information was provided (PMID: 28191889); Identified via whole exome sequencing in a proband with CHARGE syndrome; however, detailed clinical information was not provided (PMID: 38544359); In silico analysis supports that this missense variant has a deleterious effect on protein structure/function; Not observed at significant frequency in large population cohorts (gnomAD); This variant is associated with the following publications: (PMID: 26436962, 30653986, 26813943, 38113761, 33057194, 35982159, 28191889, 38544359)

Labcorp Genetics (formerly Invitae), Labcorp
Classification: Uncertain significance for CHARGE syndrome. Last evaluated: 2026-01-08. Review status: criteria provided, single submitter. Criteria: Invitae Variant Classification Sherloc (09022015). Collection method: clinical testing. Allele origin: germline.
Comment: This sequence change replaces threonine, which is neutral and polar, with methionine, which is neutral and non-polar, at codon 1133 of the CHD7 protein (p.Thr1133Met). This variant is not present in population databases (gnomAD no frequency). This missense change has been observed in individual(s) with clinical features of CHD7-related conditions (PMID: 26436962, 30653986, 38544359). ClinVar contains an entry for this variant (Variation ID: 418124). Invitae Evidence Modeling of protein sequence and biophysical properties (such as structural, functional, and spatial information, amino acid conservation, physicochemical variation, residue mobility, and thermodynamic stability) indicates that this missense variant is expected to disrupt CHD7 protein function with a positive predictive value of 95%. In summary, the available evidence is currently insufficient to determine the role of this variant in disease. Therefore, it has been classified as a Variant of Uncertain Significance.

Dasa
Classification: Likely pathogenic for CHARGE syndrome. Last evaluated: 2025-04-09. Review status: criteria provided, single submitter. Criteria: DASA Assertion Criteria. Collection method: clinical testing. Allele origin: germline.
Comment: NM_017780.4(CHD7):c.3398C>T (p.Thr1133Met) is a missense variant that results in the substitution of threonine with methionine. This variant has been recurrently observed in individuals with CHD7-related disorders (PMID: 30653986; PMID: 26813943). This variant has been reported as a de novo occurrence in an affected individual (PMID: 30653986; PMID: 26813943). Also, this variant is absent from population databases. Computational evidence supports a deleterious effect. Based on the currently available evidence, this variant is classified as likely pathogenic.

Laboratory of Genetics, Children's Clinical University Hospital Latvia
Classification: Pathogenic. Last evaluated: 2025-02-16. Review status: criteria provided, single submitter. Criteria: ACMG Guidelines, 2015. Collection method: clinical testing. Allele origin: germline. Affected: yes.

Ambry Genetics
Classification: Pathogenic for Inborn genetic diseases. Last evaluated: 2024-02-29. Review status: criteria provided, single submitter. Criteria: Ambry Variant Classification Scheme 2023. Collection method: clinical testing. Allele origin: germline.
Comment: The c.3398C>T (p.T1133M) alteration is located in coding exon 13 of the CHD7 gene. This alteration results from a C to T substitution at nucleotide position 3398, causing the threonine (T) at amino acid position 1133 to be replaced by a methionine (M). This variant was not reported in population-based cohorts in the Genome Aggregation Database (gnomAD). This variant was detected as heterozygous in multiple individuals with features consistent with CHARGE syndrome, including two de novo occurrences (Ghaoui, 2015; O'Grady, 2016; Ambry internal data). This amino acid position is highly conserved in available vertebrate species. This alteration is predicted to be deleterious by in silico analysis. Based on the available evidence, this alteration is classified as pathogenic.

Blueprint Genetics
Classification: Likely pathogenic for CHD7-related disorders. Last evaluated: 2022-09-06. Review status: criteria provided, single submitter. Criteria: ACMG Guidelines, 2015. Collection method: clinical testing. Allele origin: germline. Affected: yes. Observed: 1 variant allele.

Fulgent Genetics
Classification: Likely pathogenic for CHD7-related CHARGE syndrome; Hypogonadotropic hypogonadism 5 with or without anosmia. Last evaluated: 2018-10-31. Review status: criteria provided, single submitter. Criteria: ACMG Guidelines, 2015. Collection method: clinical testing. Allele origin: unknown.

Literature cited by the submitters: PubMed 26436962 (cited by Labcorp Genetics (formerly Invitae), Labcorp and Ambry Genetics); PubMed 30653986 (cited by Labcorp Genetics (formerly Invitae), Labcorp and Dasa); PubMed 38544359 (cited by Labcorp Genetics (formerly Invitae), Labcorp); PubMed 26813943 (cited by Dasa and Ambry Genetics); PubMed 7651832 (cited by Ambry Genetics); PubMed 16155193 (cited by Ambry Genetics); PubMed 17661815 (cited by Ambry Genetics); PubMed 25472840 (cited by Ambry Genetics).

NM_017780.4(CHD7):c.3398C>T (p.Thr1133Met)

Gene: CHD7 (chromodomain helicase DNA binding protein 7; plus strand). Cytogenetic location: 8q12.2.
Variant type: single nucleotide variant.
Coding change: c.3398C>T on transcript NM_017780.4 (MANE Select); coding-DNA position 3398, C replaced by T.
Protein change: p.Thr1133Met; replaces threonine 1133 with methionine.
Molecular consequence: missense variant. On other transcripts: intron variant (1).
Genome position (GRCh38, 1-based): chr8:60,828,682, C>T. VCF-style: chr8-60828682-C-T. GRCh37 (hg19) VCF-style: chr8-61741241-C-T.
Other names: c.3398C>T (LRG_176t1); c.1717-33547C>T (NM_001316690.1); short protein forms T1133M.
Identifiers: ClinVar variation 418124 (VCV000418124.26), dbSNP rs1064793083, ClinGen allele CA16618664.